The following is an entry in ClinVar:

ClinVar aggregate classification (germline): Uncertain significance (1 of 4 stars; one submission).

Conditions:
Cystic fibrosis (CF). Also called: MUCOVISCIDOSIS. Identifiers: Orphanet 586, MedGen C0010674, MONDO:0009061, OMIM 219700. Disease mechanism: loss of function.

Submission:

Labcorp Genetics (formerly Invitae), Labcorp
Classification: Uncertain significance for Cystic fibrosis. Last evaluated: 2021-12-08. Review status: criteria provided, single submitter. Criteria: Invitae Variant Classification Sherloc (09022015). Collection method: clinical testing. Allele origin: germline.
Comment: This variant results in a copy number gain of the genomic region encompassing exon(s) 23-27 of the CFTR gene. This region includes the termination codon of the gene. This copy number gain extends beyond the assayed region for this gene and therefore may encompass additional genes. As the precise location of this event is unknown, it may be in tandem or it may be located elsewhere in the genome. This variant has not been reported in the literature in individuals affected with CFTR-related conditions. Experimental studies and prediction algorithms are not available or were not evaluated, and the functional significance of this variant is currently unknown. In summary, the available evidence is currently insufficient to determine the role of this variant in disease. Therefore, it has been classified as a Variant of Uncertain Significance.

NC_000007.13:g.(?_117280015)_(117307162_?)dup

Gene: CFTR (CF transmembrane conductance regulator; plus strand). Cytogenetic location: 7q31.2.
Variant type: Duplication.
Identifiers: ClinVar variation 2423158 (VCV002423158.3).